The following is an entry in ClinVar:

NM_000350.3(ABCA4):c.6425T>A (p.Ile2142Asn)

Gene: ABCA4 (ATP binding cassette subfamily A member 4; minus strand). Cytogenetic location: 1p22.1.
Variant type: single nucleotide variant.
Coding change: c.6425T>A on transcript NM_000350.3 (MANE Select); coding-DNA position 6425, T replaced by A.
Protein change: p.Ile2142Asn; replaces isoleucine 2142 with asparagine.
Molecular consequence: missense variant.
Genome position (GRCh38, 1-based): chr1:94,000,890, A>T on the plus strand (T>A on the coding strand, the complement: ABCA4 is on the minus strand). VCF-style: chr1-94000890-A-T. GRCh37 (hg19) VCF-style: chr1-94466446-A-T.
Other names: c.6203T>A, p.Ile2068Asn (NM_001425324.1); short protein forms I2142N, I2068N.
Identifiers: ClinVar variation 2119013 (VCV002119013.4), dbSNP rs2523623980, ClinGen allele CA341277333.

ClinVar aggregate classification (germline): Likely pathogenic (1 of 4 stars; one submission).

Submission:

Labcorp Genetics (formerly Invitae), Labcorp
Classification: Likely pathogenic. Last evaluated: 2022-10-13. Review status: criteria provided, single submitter. Criteria: Invitae Variant Classification Sherloc (09022015). Collection method: clinical testing. Allele origin: germline.
Comment: This sequence change replaces isoleucine, which is neutral and non-polar, with asparagine, which is neutral and polar, at codon 2142 of the ABCA4 protein (p.Ile2142Asn). This variant is not present in population databases (gnomAD no frequency). This missense change has been observed in individual(s) with clinical features of ABCA4-related conditions (Invitae). In at least one individual the data is consistent with being in trans (on the opposite chromosome) from a pathogenic variant. Advanced modeling of protein sequence and biophysical properties (such as structural, functional, and spatial information, amino acid conservation, physicochemical variation, residue mobility, and thermodynamic stability) performed at Invitae indicates that this missense variant is expected to disrupt ABCA4 protein function. In summary, the currently available evidence indicates that the variant is pathogenic, but additional data are needed to prove that conclusively. Therefore, this variant has been classified as Likely Pathogenic.